The following is an entry in ClinVar:

ClinVar aggregate classification (germline): Likely pathogenic (1 of 4 stars; one submission).

Conditions:
Fatal mitochondrial disease due to combined oxidative phosphorylation defect type 3. Also called: ENCEPHALOMYOPATHY, RESPIRATORY FAILURE, AND LACTIC ACIDOSIS; Combined oxidative phosphorylation deficiency 3. Identifiers: Orphanet 168566, MedGen C1864840, MONDO:0012512, OMIM 610505.

Allele frequency attached by ClinVar (database versions not stated): gnomAD 0.00001.

Submission:

Natera, Inc.
Classification: Likely pathogenic for Combined oxidative phosphorylation deficiency 3. Last evaluated: 2024-09-26. Review status: criteria provided, single submitter. Criteria: Natera Variant Classification Schema (03/2026). Collection method: clinical testing. Allele origin: germline.
Comment: The c.2T>G variant in TSFM is predicted to result in start loss due to disruption of the initiator methionine. This variant is expected to result in nonsense mediated decay, truncation, or a dysfunctional protein product. This variant is rare in the general population with a frequency below the threshold expected for the associated phenotype(s). Given the available evidence, this variant is classified as Likely Pathogenic.

NM_005726.6(TSFM):c.2T>G (p.Met1Arg)

Gene: TSFM (Ts translation elongation factor, mitochondrial; plus strand). Cytogenetic location: 12q14.1.
Variant type: single nucleotide variant.
Coding change: c.2T>G on transcript NM_005726.6 (MANE Select); coding-DNA position 2, T replaced by G.
Protein change: p.Met1Arg; changes the start codon (methionine 1).
Molecular consequence: missense variant, initiator codon variant.
Genome position (GRCh38, 1-based): chr12:57,782,803, T>G. VCF-style: chr12-57782803-T-G. GRCh37 (hg19) VCF-style: chr12-58176586-T-G.
Other names: c.2T>G (NM_001172696.1); c.2T>G, p.Met1Arg (NM_001172695.2, NM_001172696.2, NM_001172697.2); short protein forms M1R.
Identifiers: ClinVar variation 222856 (VCV000222856.3), dbSNP rs869025542, ClinGen allele CA351915.